The following is an entry in ClinVar:

NM_001040151.2(SCN3B):c.439G>A (p.Glu147Lys)

Gene: SCN3B (sodium voltage-gated channel beta subunit 3; minus strand). Cytogenetic location: 11q24.1.
Variant type: single nucleotide variant.
Coding change: c.439G>A on transcript NM_001040151.2 (MANE Select); coding-DNA position 439, G replaced by A.
Protein change: p.Glu147Lys; replaces glutamic acid 147 with lysine.
Molecular consequence: missense variant.
Genome position (GRCh38, 1-based): chr11:123,642,452, C>T on the plus strand (G>A on the coding strand, the complement: SCN3B is on the minus strand). VCF-style: chr11-123642452-C-T. GRCh37 (hg19) VCF-style: chr11-123513160-C-T.
Other names: c.439G>A, p.Glu147Lys (NM_018400.4); short protein forms E147K.
Identifiers: ClinVar variation 1740287 (VCV001740287.2), dbSNP rs1332285247, ClinGen allele CA383071131.

ClinVar aggregate classification (germline): Uncertain significance (1 of 4 stars; one submission).

Conditions:
Cardiovascular phenotype. Identifiers: MedGen CN230736.

Allele frequency attached by ClinVar (database versions not stated): gnomAD exomes below 0.00001.
gnomAD v4.1: 3 of 1,614,130 alleles (0.00019%); highest among the groups gnomAD compares: Admixed American, 0.0017%; no homozygotes.

Submission:

Ambry Genetics
Classification: Uncertain significance for Cardiovascular phenotype. Last evaluated: 2022-10-09. Review status: criteria provided, single submitter. Criteria: Ambry Variant Classification Scheme 2023. Collection method: clinical testing. Allele origin: germline.
Comment: The p.E147K variant (also known as c.439G>A), located in coding exon 3 of the SCN3B gene, results from a G to A substitution at nucleotide position 439. The glutamic acid at codon 147 is replaced by lysine, an amino acid with similar properties. This amino acid position is conserved. In addition, the in silico prediction for this alteration is inconclusive. Since supporting evidence is limited at this time, the clinical significance of this alteration remains unclear.